The following is an entry in ClinVar:

NM_022489.4(INF2):c.2554C>T (p.Arg852Trp)

Gene: INF2 (inverted formin 2; plus strand). Cytogenetic location: 14q32.33.
Variant type: single nucleotide variant.
Coding change: c.2554C>T on transcript NM_022489.4 (MANE Select); coding-DNA position 2554, C replaced by T.
Protein change: p.Arg852Trp; replaces arginine 852 with tryptophan.
Molecular consequence: missense variant.
Genome position (GRCh38, 1-based): chr14:104,712,497, C>T. VCF-style: chr14-104712497-C-T. GRCh37 (hg19) VCF-style: chr14-105178834-C-T.
Other names: c.2554C>T (NM_022489.3); c.2554C>T, p.Arg852Trp (NM_001031714.4, NM_001426862.1, NM_001426863.1 and 2 more transcripts); short protein forms R852W.
Identifiers: ClinVar variation 2940363 (VCV002940363.5), dbSNP rs894961540, ClinGen allele CA267329307.
Genomic context (GRCh38, chr14:104,712,497, plus strand): 5'-AACCTGGAGATCATCCGCTCAGAGGCCAGCTCCAACCTGAAGAAGCTTCTGGAGACCGAG[C>T]GGAAGGTGTCTGCCTCCGTGGCCGAGGTCCAGGAGCAGTACACCGAGCGCCTCCAGGCAA-3'
Protein context (NP_071934.3, residues 842-862): SNLKKLLETE[Arg852Trp]KVSASVAEVQ

ClinVar aggregate classification (germline): Uncertain significance. Review status: criteria provided, multiple submitters, no conflicts (2 of 4 stars). 3 submissions from 3 submitters: Uncertain significance (3). Last evaluated 2024-02-13.

Conditions:
Inborn genetic diseases. Identifiers: MedGen C0950123, MeSH D030342.
Charcot-Marie-Tooth disease dominant intermediate E. Also called: CHARCOT-MARIE-TOOTH NEUROPATHY WITH FOCAL SEGMENTAL GLOMERULONEPHRITIS. Identifiers: Orphanet 93114, MedGen C4302667, MONDO:0013758, OMIM 614455.
Focal segmental glomerulosclerosis 5 (FSGS5). Identifiers: Orphanet 656, MedGen C2750475, MONDO:0013191, OMIM 613237.

Allele frequency attached by ClinVar (database versions not stated): gnomAD exomes below 0.00001; gnomAD 0.00001; TOPMed 0.00002.
gnomAD v4.1: 8 of 1,612,570 alleles (0.0005%); highest among the groups gnomAD compares: African/African-American, 0.0067%; no homozygotes.

Submissions (3):

Fulgent Genetics
Classification: Uncertain significance for Focal segmental glomerulosclerosis 5; Charcot-Marie-Tooth disease dominant intermediate E. Last evaluated: 2024-02-13. Review status: criteria provided, single submitter. Criteria: ACMG Guidelines, 2015. Collection method: clinical testing. Allele origin: germline.

Labcorp Genetics (formerly Invitae), Labcorp
Classification: Uncertain significance for Charcot-Marie-Tooth disease dominant intermediate E; Focal segmental glomerulosclerosis 5. Last evaluated: 2023-10-24. Review status: criteria provided, single submitter. Criteria: Invitae Variant Classification Sherloc (09022015). Collection method: clinical testing. Allele origin: germline.
Comment: This sequence change replaces arginine, which is basic and polar, with tryptophan, which is neutral and slightly polar, at codon 852 of the INF2 protein (p.Arg852Trp). This variant is not present in population databases (gnomAD no frequency). This variant has not been reported in the literature in individuals affected with INF2-related conditions. Advanced modeling of protein sequence and biophysical properties (such as structural, functional, and spatial information, amino acid conservation, physicochemical variation, residue mobility, and thermodynamic stability) performed at Invitae indicates that this missense variant is not expected to disrupt INF2 protein function with a negative predictive value of 95%. In summary, the available evidence is currently insufficient to determine the role of this variant in disease. Therefore, it has been classified as a Variant of Uncertain Significance.

Ambry Genetics
Classification: Uncertain significance for Inborn genetic diseases. Last evaluated: 2023-10-10. Review status: criteria provided, single submitter. Criteria: Ambry Variant Classification Scheme 2023. Collection method: clinical testing. Allele origin: germline.